The following is an entry in ClinVar:

ClinVar aggregate classification (germline): Uncertain significance (1 of 4 stars; one submission).

Conditions:
Hereditary sensory and autonomic neuropathy type 6. Also called: HSAN VI; Neuropathy, hereditary sensory and autonomic, type VI. Identifiers: Orphanet 314381, MedGen C3539003, MONDO:0013839, OMIM 614653.
Epidermolysis bullosa simplex 3, localized or generalized intermediate, with BP230 deficiency (EBS3). Also called: Epidermolysis bullosa simplex, autosomal recessive 2; Epidermolysis bullosa simplex due to BP230 deficiency. Identifiers: Orphanet 412181, MedGen C3809470, MONDO:0014180, OMIM 615425.

gnomAD v4.1: 1 of 1,614,072 alleles (0.000062%); highest among the groups gnomAD compares: Non-Finnish European, 0.000085%; no homozygotes.

Submission:

Labcorp Genetics (formerly Invitae), Labcorp
Classification: Uncertain significance for Epidermolysis bullosa simplex 3, localized or generalized intermediate, with BP230 deficiency; Hereditary sensory and autonomic neuropathy type 6. Last evaluated: 2022-03-24. Review status: criteria provided, single submitter. Criteria: Invitae Variant Classification Sherloc (09022015). Collection method: clinical testing. Allele origin: germline.
Comment: In summary, the available evidence is currently insufficient to determine the role of this variant in disease. Therefore, it has been classified as a Variant of Uncertain Significance. Algorithms developed to predict the effect of missense changes on protein structure and function (SIFT, PolyPhen-2, Align-GVGD) all suggest that this variant is likely to be disruptive. This variant has not been reported in the literature in individuals affected with DST-related conditions. This variant is present in population databases (no rsID available, gnomAD 0.0009%). This sequence change replaces lysine, which is basic and polar, with isoleucine, which is neutral and non-polar, at codon 561 of the DST protein (p.Lys561Ile).

NM_001374736.1(DST):c.3293A>T (p.Lys1098Ile)

Gene: DST (dystonin; minus strand). Cytogenetic location: 6p12.1.
Variant type: single nucleotide variant.
Coding change: c.3293A>T on transcript NM_001374736.1 (MANE Select); coding-DNA position 3293, A replaced by T.
Protein change: p.Lys1098Ile; replaces lysine 1098 with isoleucine.
Molecular consequence: missense variant.
Genome position (GRCh38, 1-based): chr6:56,634,847, T>A on the plus strand (A>T on the coding strand, the complement: DST is on the minus strand). VCF-style: chr6-56634847-T-A. GRCh37 (hg19) VCF-style: chr6-56499645-T-A.
Other names: c.3194A>T, p.Lys1065Ile (NM_001144769.5); c.2780A>T, p.Lys927Ile (NM_001144770.2); c.3293A>T, p.Lys1098Ile (NM_001374722.1); c.2660A>T, p.Lys887Ile (NM_001374729.1, NM_001374730.1, NM_001386100.1 and 1 more transcripts); c.3320A>T, p.Lys1107Ile (NM_001374734.1); c.1682A>T, p.Lys561Ile (NM_001723.7, NM_015548.5); short protein forms K1065I, K561I, K927I, K1098I, K1107I, K887I.
Identifiers: ClinVar variation 2116410 (VCV002116410.4), dbSNP rs755235189, ClinGen allele CA364576279.